The following is an entry in ClinVar:

NM_000245.4(MET):c.2663A>G (p.His888Arg)

Gene: MET (MET proto-oncogene, receptor tyrosine kinase; plus strand). Cytogenetic location: 7q31.2.
Variant type: single nucleotide variant.
Coding change: c.2663A>G on transcript NM_000245.4 (MANE Select); coding-DNA position 2663, A replaced by G.
Protein change: p.His888Arg; replaces histidine 888 with arginine.
Molecular consequence: missense variant.
Genome position (GRCh38, 1-based): chr7:116,769,724, A>G. VCF-style: chr7-116769724-A-G. GRCh37 (hg19) VCF-style: chr7-116409778-A-G.
Other names: c.2717A>G, p.His906Arg (NM_001127500.3); c.2663A>G, p.His888Arg (NM_001324401.3); c.1373A>G, p.His458Arg (NM_001324402.2); c.2717A>G (NM_001127500.2); short protein forms H888R, H458R, H906R.
Identifiers: ClinVar variation 821705 (VCV000821705.11), dbSNP rs1584953276, ClinGen allele CA368985611.

ClinVar aggregate classification (germline): Conflicting classifications of pathogenicity. Review status: criteria provided, conflicting classifications (1 of 4 stars). 3 submissions from 3 submitters: Uncertain significance (2); Likely benign (1). Last evaluated 2024-08-04.

Conditions:
MET-related disorder. Also called: MET-related condition.
Renal cell carcinoma. Identifiers: Orphanet 217071, MedGen C0007134, MeSH D002292, MONDO:0005086, HP:0005584.
Hereditary cancer-predisposing syndrome. Also called: Tumor predisposition; Hereditary Cancer Syndrome; Neoplastic Syndromes, Hereditary; Hereditary neoplastic syndrome. Identifiers: Orphanet 140162, MedGen C0027672, MeSH D009386, MONDO:0015356.

Allele frequency attached by ClinVar (database versions not stated): gnomAD exomes below 0.00001.
gnomAD v4.1: 1 of 1,613,602 alleles (0.000062%); highest among the groups gnomAD compares: Non-Finnish European, 0.000085%; no homozygotes.

Submissions (3):

Labcorp Genetics (formerly Invitae), Labcorp
Classification: Uncertain significance for Renal cell carcinoma. Last evaluated: 2024-08-04. Review status: criteria provided, single submitter. Criteria: Invitae Variant Classification Sherloc (09022015). Collection method: clinical testing. Allele origin: germline.
Comment: This sequence change replaces histidine, which is basic and polar, with arginine, which is basic and polar, at codon 906 of the MET protein (p.His906Arg). This variant is not present in population databases (gnomAD no frequency). This variant has not been reported in the literature in individuals affected with MET-related conditions. ClinVar contains an entry for this variant (Variation ID: 821705). Advanced modeling of protein sequence and biophysical properties (such as structural, functional, and spatial information, amino acid conservation, physicochemical variation, residue mobility, and thermodynamic stability) performed at Invitae indicates that this missense variant is not expected to disrupt MET protein function with a negative predictive value of 80%. In summary, the available evidence is currently insufficient to determine the role of this variant in disease. Therefore, it has been classified as a Variant of Uncertain Significance.

Ambry Genetics
Classification: Likely benign for Hereditary cancer-predisposing syndrome. Last evaluated: 2024-05-28. Review status: criteria provided, single submitter. Criteria: Ambry Variant Classification Scheme 2023. Collection method: clinical testing. Allele origin: germline.

PreventionGenetics, part of Exact Sciences
Classification: Uncertain significance for MET-related condition. Last evaluated: 2023-08-10. Review status: criteria provided, single submitter. Criteria: ACMG Guidelines, 2015. Collection method: clinical testing. Allele origin: germline.
Comment: The MET c.2717A>G variant is predicted to result in the amino acid substitution p.His906Arg. To our knowledge, this variant has not been reported in the literature or in a large population database, indicating this variant is rare. At this time, the clinical significance of this variant is uncertain due to the absence of conclusive functional and genetic evidence.